The following is an entry in ClinVar:

ClinVar aggregate classification (germline): Conflicting classifications of pathogenicity. Review status: criteria provided, conflicting classifications (1 of 4 stars). 6 submissions from 6 submitters: Uncertain significance (1); Likely benign (3). 2 of the submissions do not count toward it. Last evaluated 2026-01-22.

Conditions:
TRMU-related disorder. Also called: TRMU-related condition.
Acute infantile liver failure due to synthesis defect of mtDNA-encoded proteins. Also called: LIVER FAILURE, INFANTILE, TRANSIENT; Liver failure acute infantile; TRMU Deficiency. Identifiers: Orphanet 217371, MedGen C3278664, MONDO:0013111, OMIM 613070.

Allele frequency attached by ClinVar (database versions not stated): gnomAD 0.00004 and 0.00007; gnomAD exomes 0.00004 and 0.00015; TOPMed 0.00006; ExAC 0.00010; 1000 Genomes Project 30x 0.00016; 1000 Genomes Project 0.00020.
gnomAD v4.1: 71 of 1,613,238 alleles (0.0044%); highest among the groups gnomAD compares: East Asian, 0.12%; no homozygotes.

Submissions (6):

Labcorp Genetics (formerly Invitae), Labcorp
Classification: Likely benign. Last evaluated: 2026-01-22. Review status: criteria provided, single submitter. Criteria: Invitae Variant Classification Sherloc (09022015). Collection method: clinical testing. Allele origin: germline.

Blueprint Genetics
Classification: Likely benign. Last evaluated: 2024-10-24. Review status: criteria provided, single submitter. Criteria: ACMG Guidelines, 2015. Collection method: clinical testing. Allele origin: germline.

Illumina Laboratory Services, Illumina
Classification: Uncertain significance for Acute infantile liver failure due to synthesis defect of mtDNA-encoded proteins. Last evaluated: 2018-01-12. Review status: criteria provided, single submitter. Criteria: ICSL Variant Classification Criteria 13 December 2019. Collection method: clinical testing. Allele origin: germline.

GeneDx
Classification: Likely benign. Last evaluated: 2017-10-24. Review status: criteria provided, single submitter. Criteria: GeneDx Variant Classification (06012015). Collection method: clinical testing. Allele origin: germline. Affected: yes.
Comment: This variant is considered likely benign or benign based on one or more of the following criteria: it is a conservative change, it occurs at a poorly conserved position in the protein, it is predicted to be benign by multiple in silico algorithms, and/or has population frequency not consistent with disease.

PreventionGenetics, part of Exact Sciences
Classification: Likely benign for TRMU-related condition. Last evaluated: 2022-08-09. Review status: no assertion criteria provided. Collection method: clinical testing. Allele origin: germline. Not counted in ClinVar's aggregate classification.
Comment: This variant is classified as likely benign based on ACMG/AMP sequence variant interpretation guidelines (Richards et al. 2015 PMID: 25741868, with internal and published modifications).

Natera, Inc.
Classification: Likely benign for Transient infantile liver failure. Last evaluated: 2020-09-16. Review status: no assertion criteria provided. Collection method: clinical testing. Allele origin: germline. Not counted in ClinVar's aggregate classification.

NM_018006.5(TRMU):c.1164G>A (p.Pro388=)

Gene: TRMU (tRNA mitochondrial 2-thiouridylase; plus strand). Cytogenetic location: 22q13.31.
Variant type: single nucleotide variant.
Coding change: c.1164G>A on transcript NM_018006.5 (MANE Select); coding-DNA position 1164, G replaced by A.
Protein change: p.Pro388=; no amino-acid change (proline 388 retained).
Molecular consequence: synonymous variant. On other transcripts: missense variant (2), non-coding transcript variant (2).
Genome position (GRCh38, 1-based): chr22:46,356,904, G>A. VCF-style: chr22-46356904-G-A. GRCh37 (hg19) VCF-style: chr22-46752801-G-A.
Other names: c.661G>A (NM_001282784.1); c.822G>A, p.Pro274= (NM_001282782.2); c.744G>A, p.Pro248= (NM_001282783.2); c.661G>A, p.Val221Ile (NM_001282784.2); c.1081G>A, p.Val361Ile (NM_001282785.2); short protein forms V221I, V361I.
Identifiers: ClinVar variation 342017 (VCV000342017.19), dbSNP rs202047181, ClinGen allele CA10292461.
Genomic context (GRCh38, chr22:46,356,904, plus strand): 5'-TGCTGTGTTCTACAAGGGGGACGAGTGCCTGGGCAGCGGGAAGATCCTGCGGCTGGGGCC[G>A]TCTGCCTACACGCTCCAGAAGGGCCAGCGCAGAGCTGGGATGGCCACTGAGAGCCCCAGT-3'
Protein context (NP_060476.2, residues 378-398): LGSGKILRLG[Pro388=]SAYTLQKGQR